The following is an entry in ClinVar:

NM_000429.3(MAT1A):c.836G>T (p.Gly279Val)

Gene: MAT1A (methionine adenosyltransferase 1A; minus strand). Cytogenetic location: 10q22.3.
Variant type: single nucleotide variant.
Coding change: c.836G>T on transcript NM_000429.3 (MANE Select); coding-DNA position 836, G replaced by T.
Protein change: p.Gly279Val; replaces glycine 279 with valine.
Molecular consequence: missense variant.
Genome position (GRCh38, 1-based): chr10:80,275,132, C>A on the plus strand (G>T on the coding strand, the complement: MAT1A is on the minus strand). VCF-style: chr10-80275132-C-A. GRCh37 (hg19) VCF-style: chr10-82034888-C-A.
Other names: short protein forms G279V.
Identifiers: ClinVar variation 3720940 (VCV003720940.2).

ClinVar aggregate classification (germline): Uncertain significance (1 of 4 stars; one submission).

Conditions:
Hepatic methionine adenosyltransferase deficiency. Also called: Methionine adenosyltransferase deficiency; Isolated Persistent Hypermethioninemia; MAT I/III DEFICIENCY; Deficiency of methionine adenosyltransferase. Identifiers: Orphanet 168598, MedGen C0268621, MeSH C564683, MONDO:0009607, OMIM 250850.

Submission:

Labcorp Genetics (formerly Invitae), Labcorp
Classification: Uncertain significance for Hepatic methionine adenosyltransferase deficiency. Last evaluated: 2024-08-20. Review status: criteria provided, single submitter. Criteria: Invitae Variant Classification Sherloc (09022015). Collection method: clinical testing. Allele origin: germline.
Comment: This sequence change replaces glycine, which is neutral and non-polar, with valine, which is neutral and non-polar, at codon 279 of the MAT1A protein (p.Gly279Val). This variant is not present in population databases (gnomAD no frequency). This missense change has been observed in individual(s) with hypermethioninemia (PMID: 26289392). Invitae Evidence Modeling of protein sequence and biophysical properties (such as structural, functional, and spatial information, amino acid conservation, physicochemical variation, residue mobility, and thermodynamic stability) indicates that this missense variant is expected to disrupt MAT1A protein function with a positive predictive value of 80%. In summary, the available evidence is currently insufficient to determine the role of this variant in disease. Therefore, it has been classified as a Variant of Uncertain Significance.

Literature cited by the submitters: PubMed 26289392.